The following is an entry in ClinVar:

NM_152594.3(SPRED1):c.958A>G (p.Ile320Val)

Gene: SPRED1 (sprouty related EVH1 domain containing 1; plus strand). Cytogenetic location: 15q14.
Variant type: single nucleotide variant.
Coding change: c.958A>G on transcript NM_152594.3 (MANE Select); coding-DNA position 958, A replaced by G.
Protein change: p.Ile320Val; replaces isoleucine 320 with valine.
Molecular consequence: missense variant.
Genome position (GRCh38, 1-based): chr15:38,351,287, A>G. VCF-style: chr15-38351287-A-G. GRCh37 (hg19) VCF-style: chr15-38643488-A-G.
Other names: short protein forms I320V.
Identifiers: ClinVar variation 2087466 (VCV002087466.4), dbSNP rs2542743220, ClinGen allele CA391933626.

ClinVar aggregate classification (germline): Uncertain significance (1 of 4 stars; one submission).

Conditions:
Legius syndrome. Identifiers: Orphanet 137605, MedGen C1969623, MONDO:0012669, OMIM 611431. Disease mechanism: loss of function.

Submission:

Labcorp Genetics (formerly Invitae), Labcorp
Classification: Uncertain significance for Legius syndrome. Last evaluated: 2022-01-18. Review status: criteria provided, single submitter. Criteria: Invitae Variant Classification Sherloc (09022015). Collection method: clinical testing. Allele origin: germline.
Comment: In summary, the available evidence is currently insufficient to determine the role of this variant in disease. Therefore, it has been classified as a Variant of Uncertain Significance. Algorithms developed to predict the effect of sequence changes on RNA splicing suggest that this variant may create or strengthen a splice site. Algorithms developed to predict the effect of missense changes on protein structure and function output the following: SIFT: "Tolerated"; PolyPhen-2: "Benign"; Align-GVGD: "Class C0". The valine amino acid residue is found in multiple mammalian species, which suggests that this missense change does not adversely affect protein function. This variant has not been reported in the literature in individuals affected with SPRED1-related conditions. This variant is not present in population databases (gnomAD no frequency). This sequence change replaces isoleucine, which is neutral and non-polar, with valine, which is neutral and non-polar, at codon 320 of the SPRED1 protein (p.Ile320Val).